The following is an entry in ClinVar:

ClinVar aggregate classification (germline): Uncertain significance. Review status: criteria provided, multiple submitters, no conflicts (2 of 4 stars). 3 submissions from 3 submitters: Uncertain significance (3). Last evaluated 2025-08-29.

Conditions:
Hereditary cancer-predisposing syndrome. Also called: Hereditary neoplastic syndrome; Hereditary Cancer Syndrome; Neoplastic Syndromes, Hereditary; Tumor predisposition. Identifiers: Orphanet 140162, MedGen C0027672, MeSH D009386, MONDO:0015356.
Gorlin syndrome. Also called: Nevoid Basal Cell Carcinoma Syndrome; Basal cell nevus syndrome. Identifiers: Orphanet 377, MedGen C0004779, MONDO:0007187.

Submissions (3):

Ambry Genetics
Classification: Uncertain significance for Hereditary cancer-predisposing syndrome. Last evaluated: 2025-08-29. Review status: criteria provided, single submitter. Criteria: Ambry Variant Classification Scheme 2023. Collection method: clinical testing. Allele origin: germline.
Comment: The p.M216T variant (also known as c.647T>C), located in coding exon 4 of the PTCH1 gene, results from a T to C substitution at nucleotide position 647. The methionine at codon 216 is replaced by threonine, an amino acid with similar properties. This amino acid position is conserved. In addition, this alteration is predicted to be deleterious by in silico analysis. Based on the available evidence, the clinical significance of this variant remains unclear.

Quest Diagnostics Nichols Institute San Juan Capistrano
Classification: Uncertain significance. Last evaluated: 2025-06-23. Review status: criteria provided, single submitter. Criteria: Quest Diagnostics criteria. Collection method: clinical testing. Allele origin: unknown.
Comment: The PTCH1 c.647T>C (p.Met216Thr) variant has not been reported in individuals with PTCH1-related conditions in the published literature. It also has not been reported in large, multi-ethnic general populations (Genome Aggregation Database). Analysis of this variant using bioinformatics tools for the prediction of the effect of amino acid changes on protein structure and function yielded conflicting predictions that this variant is benign or damaging. Based on the available information, we are unable to determine the clinical significance of this variant.

Labcorp Genetics (formerly Invitae), Labcorp
Classification: Uncertain significance for Gorlin syndrome. Last evaluated: 2024-01-04. Review status: criteria provided, single submitter. Criteria: Invitae Variant Classification Sherloc (09022015). Collection method: clinical testing. Allele origin: germline.
Comment: This sequence change replaces methionine, which is neutral and non-polar, with threonine, which is neutral and polar, at codon 216 of the PTCH1 protein (p.Met216Thr). This variant is not present in population databases (gnomAD no frequency). This variant has not been reported in the literature in individuals affected with PTCH1-related conditions. Advanced modeling of protein sequence and biophysical properties (such as structural, functional, and spatial information, amino acid conservation, physicochemical variation, residue mobility, and thermodynamic stability) performed at Invitae indicates that this missense variant is not expected to disrupt PTCH1 protein function with a negative predictive value of 95%. In summary, the available evidence is currently insufficient to determine the role of this variant in disease. Therefore, it has been classified as a Variant of Uncertain Significance.

NM_000264.5(PTCH1):c.647T>C (p.Met216Thr)

Gene: PTCH1 (patched 1; minus strand). Cytogenetic location: 9q22.32.
Variant type: single nucleotide variant.
Coding change: c.647T>C on transcript NM_000264.5 (MANE Select); coding-DNA position 647, T replaced by C.
Protein change: p.Met216Thr; replaces methionine 216 with threonine.
Molecular consequence: missense variant. On other transcripts: non-coding transcript variant (1).
Genome position (GRCh38, 1-based): chr9:95,482,141, A>G on the plus strand (T>C on the coding strand, the complement: PTCH1 is on the minus strand). VCF-style: chr9-95482141-A-G. GRCh37 (hg19) VCF-style: chr9-98244423-A-G.
Other names: c.449T>C, p.Met150Thr (NM_001083602.3, NM_001354919.2); c.644T>C, p.Met215Thr (NM_001083603.3); c.194T>C, p.Met65Thr (NM_001083604.3, NM_001083605.3, NM_001083606.3 and 1 more transcripts); c.647T>C, p.Met216Thr (NM_001354918.2); c.647T>C (NM_000264.4); short protein forms M150T, M216T, M215T, M65T.
Identifiers: ClinVar variation 2731703 (VCV002731703.5), dbSNP rs2538247251, ClinGen allele CA374115026.
Genomic context (GRCh38, chr9:95,482,141, plus strand): 5'-GCACACTACTGGGGTGTTCCTGAGAAATTTTTGCCAACAAGAAGAAAATATACCTGATCC[A>G]TGTAACCTGTTTCTGTGATAAGCTCTCCTGATTTGTAACACAAATGTTCCAATTTCCACT-3'
Protein context (NP_000255.2, residues 206-226): SGELITETGY[Met216Thr]DQIIEYLYPC